The following is an entry in ClinVar:

ClinVar aggregate classification (germline): Uncertain significance (1 of 4 stars; one submission).

Conditions:
Alstrom syndrome (ALMS). Identifiers: Orphanet 64, MedGen C0268425, MONDO:0008763, OMIM 203800.

Allele frequency attached by ClinVar (database versions not stated): gnomAD exomes below 0.00001.
gnomAD v4.1: 2 of 1,614,084 alleles (0.00012%); highest among the groups gnomAD compares: Non-Finnish European, 0.00017%; no homozygotes.

Submission:

Labcorp Genetics (formerly Invitae), Labcorp
Classification: Uncertain significance for Alstrom syndrome. Last evaluated: 2022-03-22. Review status: criteria provided, single submitter. Criteria: Invitae Variant Classification Sherloc (09022015). Collection method: clinical testing. Allele origin: germline.
Comment: Experimental studies and prediction algorithms are not available or were not evaluated, and the functional significance of this variant is currently unknown. This sequence change replaces alanine, which is neutral and non-polar, with valine, which is neutral and non-polar, at codon 2015 of the ALMS1 protein (p.Ala2015Val). This variant is not present in population databases (gnomAD no frequency). This variant has not been reported in the literature in individuals affected with ALMS1-related conditions. In summary, the available evidence is currently insufficient to determine the role of this variant in disease. Therefore, it has been classified as a Variant of Uncertain Significance.

NM_001378454.1(ALMS1):c.6041C>T (p.Ala2014Val)

Gene: ALMS1 (ALMS1 centrosome and basal body associated protein; plus strand). Cytogenetic location: 2p13.1.
Variant type: single nucleotide variant.
Coding change: c.6041C>T on transcript NM_001378454.1 (MANE Select); coding-DNA position 6041, C replaced by T.
Protein change: p.Ala2014Val; replaces alanine 2014 with valine.
Molecular consequence: missense variant.
Genome position (GRCh38, 1-based): chr2:73,452,568, C>T. VCF-style: chr2-73452568-C-T. GRCh37 (hg19) VCF-style: chr2-73679695-C-T.
Other names: c.6044C>T, p.Ala2015Val (NM_015120.4); short protein forms A2014V, A2015V.
Identifiers: ClinVar variation 2165728 (VCV002165728.4), dbSNP rs2466107586, ClinGen allele CA347284582.
Genomic context (GRCh38, chr2:73,452,568, plus strand): 5'-AGAAACTCAAGATTTCAACTGTGCATATACCAGATGACCAGAAAACTGAGTTTCCAGCAG[C>T]TACCCTTAGTTCCTACTCACAAATAGAGAAGCCCAAGATTTCAACTGTGATTGGACCAAA-3'
Protein context (NP_001365383.1, residues 2004-2024): PDDQKTEFPA[Ala2014Val]TLSSYSQIEK